The following is an entry in ClinVar:

ClinVar aggregate classification (germline): Uncertain significance. Review status: criteria provided, multiple submitters, no conflicts (2 of 4 stars). 4 submissions from 4 submitters: Uncertain significance (4). Last evaluated 2025-09-11.

Conditions:
Gastrointestinal stromal tumor. Also called: Gastrointestinal stroma tumor; Gastrointestinal stromal tumor, somatic. Identifiers: Orphanet 44890, MedGen C0238198, MeSH D046152, MONDO:0011719, OMIM 606764, HP:0100723.
Hereditary cancer-predisposing syndrome. Also called: Tumor predisposition; Hereditary neoplastic syndrome; Neoplastic Syndromes, Hereditary; Hereditary Cancer Syndrome. Identifiers: Orphanet 140162, MedGen C0027672, MeSH D009386, MONDO:0015356.

Allele frequency attached by ClinVar (database versions not stated): gnomAD exomes below 0.00001 and 0.00001; TOPMed below 0.00001; gnomAD 0.00002.
gnomAD v4.1: 7 of 1,614,036 alleles (0.00043%); highest among the groups gnomAD compares: African/African-American, 0.0067%; 1 homozygote.

Submissions (4):

Ambry Genetics
Classification: Uncertain significance for Hereditary cancer-predisposing syndrome. Last evaluated: 2025-09-11. Review status: criteria provided, single submitter. Criteria: Ambry Variant Classification Scheme 2023. Collection method: clinical testing. Allele origin: germline.
Comment: The p.L160F variant (also known as c.480G>C), located in coding exon 3 of the KIT gene, results from a G to C substitution at nucleotide position 480. The leucine at codon 160 is replaced by phenylalanine, an amino acid with highly similar properties. This amino acid position is conserved. In addition, this alteration is predicted to be tolerated by in silico analysis. Since supporting evidence is limited at this time, the clinical significance of this alteration remains unclear.

Labcorp Genetics (formerly Invitae), Labcorp
Classification: Uncertain significance for Gastrointestinal stromal tumor. Last evaluated: 2025-08-03. Review status: criteria provided, single submitter. Criteria: Invitae Variant Classification Sherloc (09022015). Collection method: clinical testing. Allele origin: germline.
Comment: This sequence change replaces leucine, which is neutral and non-polar, with phenylalanine, which is neutral and non-polar, at codon 160 of the KIT protein (p.Leu160Phe). This variant is present in population databases (no rsID available, gnomAD 0.007%). This variant has not been reported in the literature in individuals affected with KIT-related conditions. ClinVar contains an entry for this variant (Variation ID: 458949). An algorithm developed to predict the effect of missense changes on protein structure and function (PolyPhen-2) suggests that this variant is likely to be tolerated. In summary, the available evidence is currently insufficient to determine the role of this variant in disease. Therefore, it has been classified as a Variant of Uncertain Significance.

Baylor Genetics
Classification: Uncertain significance for Gastrointestinal stromal tumor. Last evaluated: 2023-06-15. Review status: criteria provided, single submitter. Criteria: ACMG Guidelines, 2015. Collection method: clinical testing. Allele origin: unknown.

GeneDx
Classification: Uncertain significance. Last evaluated: 2022-10-20. Review status: criteria provided, single submitter. Criteria: GeneDx Variant Classification Process June 2021. Collection method: clinical testing. Allele origin: germline. Affected: yes.
Comment: In silico analysis supports that this missense variant does not alter protein structure/function; Has not been previously published as pathogenic or benign to our knowledge

NM_000222.3(KIT):c.480G>C (p.Leu160Phe)

Gene: KIT (KIT proto-oncogene, receptor tyrosine kinase; plus strand). Cytogenetic location: 4q12.
Variant type: single nucleotide variant.
Coding change: c.480G>C on transcript NM_000222.3 (MANE Select); coding-DNA position 480, G replaced by C.
Protein change: p.Leu160Phe; replaces leucine 160 with phenylalanine.
Molecular consequence: missense variant.
Genome position (GRCh38, 1-based): chr4:54,698,426, G>C. VCF-style: chr4-54698426-G-C. GRCh37 (hg19) VCF-style: chr4-55564592-G-C.
Other names: c.480G>C, p.Leu160Phe (NM_001093772.2, NM_001385284.1, NM_001385285.1 and 4 more transcripts); short protein forms L160F.
Identifiers: ClinVar variation 458949 (VCV000458949.14), dbSNP rs1201516128, ClinGen allele CA356897675.